The following is an entry in ClinVar:

ClinVar aggregate classification (germline): Conflicting classifications of pathogenicity. Review status: criteria provided, conflicting classifications (1 of 4 stars). 3 submissions from 3 submitters: Likely pathogenic (1); Uncertain significance (2). Last evaluated 2025-12-19.

Conditions:
Primary hyperoxaluria type 3. Also called: PH III. Identifiers: Orphanet 416, Orphanet 93600, MedGen C3150878, MONDO:0013327, OMIM 613616. Disease mechanism: loss of function.

gnomAD v4.1: 7 of 1,614,120 alleles (0.00043%); highest among the groups gnomAD compares: Non-Finnish European, 0.00059%; no homozygotes.

Submissions (3):

Women's Health and Genetics/Laboratory Corporation of America, LabCorp
Classification: Uncertain significance. Last evaluated: 2025-12-19. Review status: criteria provided, single submitter. Criteria: LabCorp Variant Classification Summary - May 2015. Collection method: clinical testing. Allele origin: germline.
Comment: Variant summary: HOGA1 c.290G>T (p.Arg97Leu) results in a non-conservative amino acid change in the encoded protein sequence. Algorithms developed to predict the effect of missense changes on protein structure and function all suggest that this variant is likely to be disruptive. The variant allele was found at a frequency of 4e-06 in 251454 control chromosomes. The available data on variant occurrences in the general population are insufficient to allow any conclusion about variant significance. To our knowledge, no occurrence of c.290G>T in individuals affected with HOGA1-related conditions and no experimental evidence demonstrating its impact on protein function have been reported. Two other variants at this residue have been reported as Pathogenic/Likely Pathogenic (c.290G>A, p.Arg97His and c.289C>T, p.Arg97Cys), suggesting that this codon is functionally important. ClinVar contains an entry for this variant (Variation ID: 1493423). Based on the evidence outlined above, the variant was classified as VUS-possibly pathogenic.

Myriad Genetics, Inc.
Classification: Uncertain significance for Primary hyperoxaluria type 3. Last evaluated: 2025-08-18. Review status: criteria provided, single submitter. Criteria: Myriad Autosomal Dominant, Autosomal Recessive and X-Linked Classification Criteria (2023). Collection method: clinical testing. Allele origin: unknown.
Comment: NM_138413.3(HOGA1):c.290G>T(R97L) is a missense variant classified as a variant of uncertain significance in the context of primary hyperoxaluria type 3. R97L has not been observed in cases with relevant disease. Relevant functional assessments of this variant are not available in the literature. R97L has been observed in referenced population frequency databases. In summary, there is insufficient evidence to classify NM_138413.3(HOGA1):c.290G>T(R97L) as pathogenic or benign. Please note: this variant was assessed in the context of healthy population screening.

Labcorp Genetics (formerly Invitae), Labcorp
Classification: Likely pathogenic. Last evaluated: 2023-09-27. Review status: criteria provided, single submitter. Criteria: Invitae Variant Classification Sherloc (09022015). Collection method: clinical testing. Allele origin: germline.
Comment: In summary, the currently available evidence indicates that the variant is pathogenic, but additional data are needed to prove that conclusively. Therefore, this variant has been classified as Likely Pathogenic. This variant disrupts the p.Arg97 amino acid residue in HOGA1. Other variant(s) that disrupt this residue have been determined to be pathogenic (PMID: 20797690, 22771891). This suggests that this residue is clinically significant, and that variants that disrupt this residue are likely to be disease-causing. Advanced modeling of protein sequence and biophysical properties (such as structural, functional, and spatial information, amino acid conservation, physicochemical variation, residue mobility, and thermodynamic stability) performed at Invitae indicates that this missense variant is expected to disrupt HOGA1 protein function. ClinVar contains an entry for this variant (Variation ID: 1493423). This variant has not been reported in the literature in individuals affected with HOGA1-related conditions. This variant is present in population databases (rs752252343, gnomAD 0.0009%). This sequence change replaces arginine, which is basic and polar, with leucine, which is neutral and non-polar, at codon 97 of the HOGA1 protein (p.Arg97Leu).

Literature cited by the submitters: PubMed 20797690 (cited by Labcorp Genetics (formerly Invitae), Labcorp); PubMed 22771891 (cited by Labcorp Genetics (formerly Invitae), Labcorp).

NM_138413.4(HOGA1):c.290G>T (p.Arg97Leu)

Gene: HOGA1 (4-hydroxy-2-oxoglutarate aldolase 1; plus strand). Cytogenetic location: 10q24.2.
Variant type: single nucleotide variant.
Coding change: c.290G>T on transcript NM_138413.4 (MANE Select); coding-DNA position 290, G replaced by T.
Protein change: p.Arg97Leu; replaces arginine 97 with leucine.
Molecular consequence: missense variant. On other transcripts: intron variant (1).
Genome position (GRCh38, 1-based): chr10:97,598,853, G>T. VCF-style: chr10-97598853-G-T. GRCh37 (hg19) VCF-style: chr10-99358610-G-T.
Other names: c.212-3004G>T (NM_001134670.2); short protein forms R97L.
Identifiers: ClinVar variation 1493423 (VCV001493423.10), dbSNP rs752252343, ClinGen allele CA5634040.